The following is an entry in ClinVar:

ClinVar aggregate classification (germline): Pathogenic (1 of 4 stars; one submission).

Conditions:
Supravalvar aortic stenosis (SVAS). Also called: Supravalvar aortic stenosis, Eisenberg type. Identifiers: Orphanet 3193, MedGen C0003499, MONDO:0008504, OMIM 185500, HP:0004381.

Submission:

Labcorp Genetics (formerly Invitae), Labcorp
Classification: Pathogenic for Supravalvar aortic stenosis. Last evaluated: 2022-03-03. Review status: criteria provided, single submitter. Criteria: Invitae Variant Classification Sherloc (09022015). Collection method: clinical testing. Allele origin: germline.
Comment: For these reasons, this variant has been classified as Pathogenic. ClinVar contains an entry for this variant (Variation ID: 849178). This premature translational stop signal has been observed in individuals with supravalvular aortic stenosis (PMID: 10942104; Invitae). This variant is not present in population databases (gnomAD no frequency). This sequence change creates a premature translational stop signal (p.Tyr397*) in the ELN gene. It is expected to result in an absent or disrupted protein product. Loss-of-function variants in ELN are known to be pathogenic (PMID: 11175284).

Literature cited by the submitters: PubMed 10942104; PubMed 11175284.

NM_000501.4(ELN):c.1190dup (p.Tyr397Ter)

Gene: ELN (elastin; plus strand). Cytogenetic location: 7q11.23.
Variant type: Duplication.
Coding change: c.1190dup on transcript NM_000501.4 (MANE Select); coding-DNA position 1190, one base duplicated (A; older notation c.1190dupA).
Protein change: p.Tyr397Ter; replaces tyrosine 397 with a stop codon.
Molecular consequence: nonsense.
Genome position (GRCh38, 1-based): chr7:74,056,310, A duplicated. VCF-style (leftmost placement, unchanged base first): chr7-74056309-T-TA. GRCh37 (hg19) VCF-style: chr7-73470639-T-TA.
Other names: c.1160dup, p.Tyr387Ter (NM_001081752.3, NM_001278917.2); c.1205dup, p.Tyr402Ter (NM_001081753.3, NM_001081754.3); c.1190dup, p.Tyr397Ter (NM_001081755.3, NM_001278912.2, NM_001278915.2 and 1 more transcripts); c.1082dup, p.Tyr361Ter (NM_001278913.2); c.1175dup, p.Tyr392Ter (NM_001278914.2); c.1148dup, p.Tyr383Ter (NM_001278916.2); c.1058dup, p.Tyr353Ter (NM_001278918.2); short protein forms Y353*, Y361*, Y383*, Y387*, Y397*, Y392*, Y402*.
Identifiers: ClinVar variation 849178 (VCV000849178.9), dbSNP rs1795205877, ClinGen allele CA916082935.